The following is an entry in ClinVar:

NM_000059.4(BRCA2):c.6529A>T (p.Ile2177Phe)

Gene: BRCA2 (BRCA2 DNA repair associated; plus strand). Cytogenetic location: 13q13.1.
Variant type: single nucleotide variant.
Coding change: c.6529A>T on transcript NM_000059.4 (MANE Select); coding-DNA position 6529, A replaced by T.
Protein change: p.Ile2177Phe; replaces isoleucine 2177 with phenylalanine.
Molecular consequence: missense variant.
Genome position (GRCh38, 1-based): chr13:32,340,884, A>T. VCF-style: chr13-32340884-A-T. GRCh37 (hg19) VCF-style: chr13-32915021-A-T.
Other names: short protein forms I2177F.
Identifiers: ClinVar variation 919881 (VCV000919881.7), dbSNP rs1593908997, ClinGen allele CA387789654.

ClinVar aggregate classification (germline): Conflicting classifications of pathogenicity. Review status: criteria provided, conflicting classifications (1 of 4 stars). 4 submissions from 4 submitters: Uncertain significance (2); Likely benign (2). Last evaluated 2026-04-30.

Conditions:
Hereditary cancer-predisposing syndrome. Also called: Hereditary Cancer Syndrome; Neoplastic Syndromes, Hereditary; Tumor predisposition; Hereditary neoplastic syndrome. Identifiers: Orphanet 140162, MedGen C0027672, MeSH D009386, MONDO:0015356.

Submissions (4):

Ambry Genetics
Classification: Uncertain significance for Hereditary cancer-predisposing syndrome. Last evaluated: 2026-04-30. Review status: criteria provided, single submitter. Criteria: Ambry Variant Classification Scheme 2023. Collection method: clinical testing. Allele origin: germline.

ARUP Laboratories, Molecular Genetics and Genomics, ARUP Laboratories
Classification: Likely benign. Last evaluated: 2024-10-04. Review status: criteria provided, single submitter. Criteria: ARUP Molecular Germline Variant Investigation Process 2024. Collection method: clinical testing. Allele origin: germline.

University of Washington Department of Laboratory Medicine, University of Washington
Classification: Likely benign for Hereditary cancer-predisposing syndrome. Last evaluated: 2023-03-23. Review status: criteria provided, single submitter. Criteria: Dines et al. (Genet Med. 2020). Collection method: curation. Allele origin: germline.
Comment: Missense variant in a coldspot region where missense variants are very unlikely to be pathogenic (PMID:31911673).

BRCA2 exon 11 coldspot. Reclassification based on statistical prior probability.

Color Diagnostics, LLC DBA Color Health
Classification: Uncertain significance for Hereditary cancer-predisposing syndrome. Last evaluated: 2019-12-13. Review status: criteria provided, single submitter. Criteria: ACMG Guidelines, 2015. Collection method: clinical testing. Allele origin: germline.
Comment: This missense variant replaces isoleucine with phenylalanine at codon 2177 of the BRCA2 protein. Computational prediction suggests that this variant may not impact protein structure and function (internally defined REVEL score threshold <= 0.5, PMID: 27666373). Splice site prediction tools suggest that this variant may not impact RNA splicing. To our knowledge, functional studies have not been performed for this variant. This variant has not been reported in individuals affected with hereditary cancer in the literature. This variant has not been identified in the general population by the Genome Aggregation Database (gnomAD). The available evidence is insufficient to determine the role of this variant in disease conclusively. Therefore, this variant is classified as a Variant of Uncertain Significance.